The following is an entry in ClinVar:

ClinVar aggregate classification (germline): Likely benign (1 of 4 stars; one submission).

Allele frequency attached by ClinVar (database versions not stated): gnomAD 0.00722 and 0.00765; 1000 Genomes Project 0.00779; TOPMed 0.00810; 1000 Genomes Project 30x 0.00921.
gnomAD v4.1: 1,095 of 151,956 alleles (0.72%); highest among the groups gnomAD compares: African/African-American, 2.3%; 10 homozygotes.

Submission:

GeneDx
Classification: Likely benign. Last evaluated: 2021-12-24. Review status: criteria provided, single submitter. Criteria: GeneDx Variant Classification Process June 2021. Collection method: clinical testing. Allele origin: germline. Affected: yes.
Comment: See Variant Classification Assertion Criteria.

NM_018475.5(TMEM165):c.208-230C>T

Gene: TMEM165 (transmembrane protein 165; plus strand). Cytogenetic location: 4q12.
Variant type: single nucleotide variant.
Coding change: c.208-230C>T on transcript NM_018475.5 (MANE Select); 230 bases into the intron before coding-DNA position 208, C replaced by T.
Molecular consequence: intron variant.
Genome position (GRCh38, 1-based): chr4:55,411,384, C>T. VCF-style: chr4-55411384-C-T. GRCh37 (hg19) VCF-style: chr4-56277551-C-T.
Identifiers: ClinVar variation 1693062 (VCV001693062.2), dbSNP rs114881602, ClinGen allele CA96882044.